The following is an entry in ClinVar:

ClinVar aggregate classification (germline): Benign/Likely benign. Review status: criteria provided, multiple submitters, no conflicts (2 of 4 stars). 2 submissions from 2 submitters: Benign (1); Likely benign (1). Last evaluated 2025-06-09.

Conditions:
OTOGL-related disorder. Also called: OTOGL-related condition.

Allele frequency attached by ClinVar (database versions not stated): gnomAD exomes 0.00031; 1000 Genomes Project 0.00060; 1000 Genomes Project 30x 0.00078.
gnomAD v4.1: 195 of 1,612,128 alleles (0.012%); highest among the groups gnomAD compares: South Asian, 0.19%; 3 homozygotes.

Submissions (2):

PreventionGenetics, part of Exact Sciences
Classification: Likely benign for OTOGL-related condition. Last evaluated: 2025-06-09. Review status: criteria provided, single submitter. Criteria: ACMG Guidelines, 2015. Collection method: clinical testing. Allele origin: germline.
Comment: This variant is classified as likely benign based on ACMG/AMP sequence variant interpretation guidelines (Richards et al. 2015 PMID: 25741868, with internal and published modifications).

Labcorp Genetics (formerly Invitae), Labcorp
Classification: Benign. Last evaluated: 2021-11-08. Review status: criteria provided, single submitter. Criteria: Invitae Variant Classification Sherloc (09022015). Collection method: clinical testing. Allele origin: germline.

NM_001378609.3(OTOGL):c.3989G>C (p.Gly1330Ala)

Gene: OTOGL (otogelin like; plus strand). Cytogenetic location: 12q21.31.
Variant type: single nucleotide variant.
Coding change: c.3989G>C on transcript NM_001378609.3 (MANE Select); coding-DNA position 3989, G replaced by C.
Protein change: p.Gly1330Ala; replaces glycine 1330 with alanine.
Molecular consequence: missense variant.
Genome position (GRCh38, 1-based): chr12:80,320,608, G>C. VCF-style: chr12-80320608-G-C. GRCh37 (hg19) VCF-style: chr12-80714388-G-C.
Other names: c.3989G>C, p.Gly1330Ala (NM_001378610.3, NM_173591.7); c.3962G>C (NM_173591.3); c.3854G>C, p.Gly1285Ala (NM_001368062.3); short protein forms G1285A, G1330A.
Identifiers: ClinVar variation 1554531 (VCV001554531.9), dbSNP rs555744900, ClinGen allele CA6701222.